The following is an entry in ClinVar:

ClinVar aggregate classification (germline): Uncertain significance (1 of 4 stars; one submission).

Conditions:
Fibrous dysplasia of jaw (CRBM). Also called: Cherubism. Identifiers: Orphanet 184, MedGen C0008029, MONDO:0007315, OMIM 118400.

Submission:

Labcorp Genetics (formerly Invitae), Labcorp
Classification: Uncertain significance for Fibrous dysplasia of jaw. Last evaluated: 2023-07-10. Review status: criteria provided, single submitter. Criteria: Invitae Variant Classification Sherloc (09022015). Collection method: clinical testing. Allele origin: germline.
Comment: In summary, the available evidence is currently insufficient to determine the role of this variant in disease. Therefore, it has been classified as a Variant of Uncertain Significance. Advanced modeling of protein sequence and biophysical properties (such as structural, functional, and spatial information, amino acid conservation, physicochemical variation, residue mobility, and thermodynamic stability) performed at Invitae indicates that this missense variant is not expected to disrupt SH3BP2 protein function. ClinVar contains an entry for this variant (Variation ID: 863529). This variant has not been reported in the literature in individuals affected with SH3BP2-related conditions. This variant is not present in population databases (gnomAD no frequency). This sequence change replaces proline, which is neutral and non-polar, with arginine, which is basic and polar, at codon 24 of the SH3BP2 protein (p.Pro24Arg).

NM_001122681.2(SH3BP2):c.71C>G (p.Pro24Arg)

Gene: SH3BP2 (SH3 domain binding protein 2; plus strand). Cytogenetic location: 4p16.3.
Variant type: single nucleotide variant.
Coding change: c.71C>G on transcript NM_001122681.2 (MANE Select); coding-DNA position 71, C replaced by G.
Protein change: p.Pro24Arg; replaces proline 24 with arginine.
Molecular consequence: missense variant.
Genome position (GRCh38, 1-based): chr4:2,820,688, C>G. VCF-style: chr4-2820688-C-G. GRCh37 (hg19) VCF-style: chr4-2822415-C-G.
Other names: c.155C>G, p.Pro52Arg (NM_001145855.2); c.242C>G, p.Pro81Arg (NM_001145856.2); c.71C>G, p.Pro24Arg (NM_003023.4); short protein forms P24R, P81R, P52R.
Identifiers: ClinVar variation 863529 (VCV000863529.9), dbSNP rs1724253944, ClinGen allele CA356052944.